The following is an entry in ClinVar:

NM_005763.4(AASS):c.2729G>C (p.Arg910Pro)

Gene: AASS (aminoadipate-semialdehyde synthase; minus strand). Cytogenetic location: 7q31.32.
Variant type: single nucleotide variant.
Coding change: c.2729G>C on transcript NM_005763.4 (MANE Select); coding-DNA position 2729, G replaced by C.
Protein change: p.Arg910Pro; replaces arginine 910 with proline.
Molecular consequence: missense variant.
Genome position (GRCh38, 1-based): chr7:122,076,541, C>G on the plus strand (G>C on the coding strand, the complement: AASS is on the minus strand). VCF-style: chr7-122076541-C-G. GRCh37 (hg19) VCF-style: chr7-121716595-C-G.
Other names: short protein forms R910P.
Identifiers: ClinVar variation 3899536 (VCV003899536.1).
Genomic context (GRCh38, chr7:122,076,541, plus strand): 5'-ATTCCCAATTATGGTTTAATTGTACTCTGTGTAGTATATATAATGCCTTCTGCTTTAATT[C>G]GCTCCAATATTGGTCCATAGATCTCCTTTGAAAAGGGCCCCATTAGGCCTTTGGCTCCAA-3'
Protein context (NP_005754.2, residues 900-920): SKEIYGPILE[Arg910Pro]IKAEGIIYTT

ClinVar aggregate classification (germline): Uncertain significance (1 of 4 stars; one submission).

gnomAD v4.1: 29 of 1,613,726 alleles (0.0018%); highest among the groups gnomAD compares: Non-Finnish European, 0.0023%; no homozygotes.

Submission:

GeneDx
Classification: Uncertain significance. Last evaluated: 2024-11-18. Review status: criteria provided, single submitter. Criteria: GeneDx Variant Classification Process June 2021. Collection method: clinical testing. Allele origin: germline. Affected: yes.
Comment: In silico analysis supports that this missense variant has a deleterious effect on protein structure/function; Has not been previously published as pathogenic or benign to our knowledge